The following is an entry in ClinVar:

NM_032119.4(ADGRV1):c.12472A>G (p.Arg4158Gly)

Gene: ADGRV1 (adhesion G protein-coupled receptor V1; plus strand). Cytogenetic location: 5q14.3.
Variant type: single nucleotide variant.
Coding change: c.12472A>G on transcript NM_032119.4 (MANE Select); coding-DNA position 12472, A replaced by G.
Protein change: p.Arg4158Gly; replaces arginine 4158 with glycine.
Molecular consequence: missense variant. On other transcripts: non-coding transcript variant (1).
Genome position (GRCh38, 1-based): chr5:90,776,521, A>G. VCF-style: chr5-90776521-A-G. GRCh37 (hg19) VCF-style: chr5-90072338-A-G.
Other names: short protein forms R4158G.
Identifiers: ClinVar variation 1448103 (VCV001448103.4), dbSNP rs374488227, ClinGen allele CA3341253.

ClinVar aggregate classification (germline): Uncertain significance (1 of 4 stars; one submission).

Allele frequency attached by ClinVar (database versions not stated): TOPMed below 0.00001; gnomAD exomes below 0.00001; gnomAD 0.00001; ESP Exome Variant Server 0.00008; ExAC 0.00001.
gnomAD v4.1: 7 of 1,613,096 alleles (0.00043%); highest among the groups gnomAD compares: Non-Finnish European, 0.00051%; no homozygotes.

Submission:

Labcorp Genetics (formerly Invitae), Labcorp
Classification: Uncertain significance. Last evaluated: 2023-07-17. Review status: criteria provided, single submitter. Criteria: Invitae Variant Classification Sherloc (09022015). Collection method: clinical testing. Allele origin: germline.
Comment: Advanced modeling of protein sequence and biophysical properties (such as structural, functional, and spatial information, amino acid conservation, physicochemical variation, residue mobility, and thermodynamic stability) performed at Invitae indicates that this missense variant is not expected to disrupt ADGRV1 protein function. In summary, the available evidence is currently insufficient to determine the role of this variant in disease. Therefore, it has been classified as a Variant of Uncertain Significance. ClinVar contains an entry for this variant (Variation ID: 1448103). This variant has not been reported in the literature in individuals affected with ADGRV1-related conditions. This variant is present in population databases (rs374488227, gnomAD 0.0009%). This sequence change replaces arginine, which is basic and polar, with glycine, which is neutral and non-polar, at codon 4158 of the ADGRV1 protein (p.Arg4158Gly).